The following is an entry in ClinVar:

ClinVar aggregate classification (germline): Uncertain significance (1 of 4 stars; one submission).

gnomAD v4.1: 3 of 1,613,570 alleles (0.00019%); highest among the groups gnomAD compares: Admixed American, 0.005%; no homozygotes.

Submission:

Labcorp Genetics (formerly Invitae), Labcorp
Classification: Uncertain significance. Last evaluated: 2025-04-03. Review status: criteria provided, single submitter. Criteria: Invitae Variant Classification Sherloc (09022015). Collection method: clinical testing. Allele origin: germline.
Comment: This sequence change replaces alanine, which is neutral and non-polar, with glycine, which is neutral and non-polar, at codon 1461 of the ROBO1 protein (p.Ala1461Gly). This variant is present in population databases (rs749424864, gnomAD 0.009%). This variant has not been reported in the literature in individuals affected with ROBO1-related conditions. Invitae Evidence Modeling of protein sequence and biophysical properties (such as structural, functional, and spatial information, amino acid conservation, physicochemical variation, residue mobility, and thermodynamic stability) indicates that this missense variant is not expected to disrupt ROBO1 protein function with a negative predictive value of 95%. In summary, the available evidence is currently insufficient to determine the role of this variant in disease. Therefore, it has been classified as a Variant of Uncertain Significance.

NM_002941.4(ROBO1):c.4382C>G (p.Ala1461Gly)

Gene: ROBO1 (roundabout guidance receptor 1; minus strand). Cytogenetic location: 3p12.3.
Variant type: single nucleotide variant.
Coding change: c.4382C>G on transcript NM_002941.4 (MANE Select); coding-DNA position 4382, C replaced by G.
Protein change: p.Ala1461Gly; replaces alanine 1461 with glycine.
Molecular consequence: missense variant.
Genome position (GRCh38, 1-based): chr3:78,614,701, G>C on the plus strand (C>G on the coding strand, the complement: ROBO1 is on the minus strand). VCF-style: chr3-78614701-G-C. GRCh37 (hg19) VCF-style: chr3-78663851-G-C.
Other names: c.4082C>G, p.Ala1361Gly (NM_001145845.2); c.4247C>G, p.Ala1416Gly (NM_133631.4); short protein forms A1461G, A1416G, A1361G.
Identifiers: ClinVar variation 4777464 (VCV004777464.1).